The following is an entry in ClinVar:

ClinVar aggregate classification (germline): Uncertain significance (1 of 4 stars; one submission).

gnomAD v4.1: 18 of 1,522,028 alleles (0.0012%); highest among the groups gnomAD compares: South Asian, 0.017%; no homozygotes.

Submission:

Labcorp Genetics (formerly Invitae), Labcorp
Classification: Uncertain significance. Last evaluated: 2024-02-08. Review status: criteria provided, single submitter. Criteria: Invitae Variant Classification Sherloc (09022015). Collection method: clinical testing. Allele origin: germline.
Comment: This sequence change replaces alanine, which is neutral and non-polar, with valine, which is neutral and non-polar, at codon 15 of the FECH protein (p.Ala15Val). The frequency data for this variant in the population databases is considered unreliable, as metrics indicate poor data quality at this position in the gnomAD database. This variant has not been reported in the literature in individuals affected with FECH-related conditions. An algorithm developed to predict the effect of missense changes on protein structure and function (PolyPhen-2) suggests that this variant is likely to be disruptive. In summary, the available evidence is currently insufficient to determine the role of this variant in disease. Therefore, it has been classified as a Variant of Uncertain Significance.

NM_000140.5(FECH):c.44C>T (p.Ala15Val)

Genes: FECH (ferrochelatase; minus strand), LOC130062560 (ATAC-STARR-seq lymphoblastoid silent region 9481; plus strand). Cytogenetic location: 18q21.31.
Variant type: single nucleotide variant.
Coding change: c.44C>T on transcript NM_000140.5 (MANE Select); coding-DNA position 44, C replaced by T.
Protein change: p.Ala15Val; replaces alanine 15 with valine.
Molecular consequence: missense variant. On other transcripts: 5 prime UTR variant (1).
Genome position (GRCh38, 1-based): chr18:57,586,577, G>A on the plus strand (C>T on the coding strand, the complement: FECH is on the minus strand). VCF-style: chr18-57586577-G-A. GRCh37 (hg19) VCF-style: chr18-55253809-G-A.
Other names: c.44C>T, p.Ala15Val (NM_001012515.4, NM_001371094.1, NM_001374778.1); c.-283C>T (NM_001371095.1); short protein forms A15V.
Identifiers: ClinVar variation 3628716 (VCV003628716.2).